The following is an entry in ClinVar:

NM_013247.5(HTRA2):c.1046-49G>A

Gene: HTRA2 (HtrA serine peptidase 2; plus strand). Cytogenetic location: 2p13.1.
Variant type: single nucleotide variant.
Coding change: c.1046-49G>A on transcript NM_013247.5 (MANE Select); 49 bases into the intron before coding-DNA position 1046, G replaced by A.
Molecular consequence: intron variant.
Genome position (GRCh38, 1-based): chr2:74,531,807, G>A. VCF-style: chr2-74531807-G-A. GRCh37 (hg19) VCF-style: chr2-74758934-G-A.
Other names: c.1076-49G>A (NM_001321727.1); c.1046-49G>A (NM_001321728.1); c.851-49G>A (NM_145074.2).
Identifiers: ClinVar variation 671226 (VCV000671226.2), dbSNP rs2241028, ClinGen allele CA1728541.

ClinVar aggregate classification (germline): Benign. Review status: criteria provided, multiple submitters, no conflicts (2 of 4 stars). 2 submissions from 2 submitters: Benign (2). Last evaluated 2018-06-14.

Allele frequency attached by ClinVar (database versions not stated): ESP Exome Variant Server 0.04237; TOPMed 0.04695; gnomAD 0.04751 and 0.04996; gnomAD exomes 0.06128 and 0.06236; ExAC 0.06187; 1000 Genomes Project 30x 0.06433; 1000 Genomes Project 0.06829.
gnomAD v4.1: 98,739 of 1,612,272 alleles (6.1%); highest among the groups gnomAD compares: East Asian, 19%; 3,680 homozygotes.

Submissions (2):

GeneDx
Classification: Benign. Last evaluated: 2018-06-14. Review status: criteria provided, single submitter. Criteria: GeneDx Variant Classification (06012015). Collection method: clinical testing. Allele origin: germline. Affected: yes.
Comment: This variant is considered likely benign or benign based on one or more of the following criteria: it is a conservative change, it occurs at a poorly conserved position in the protein, it is predicted to be benign by multiple in silico algorithms, and/or has population frequency not consistent with disease.

Breakthrough Genomics
Classification: Benign. Review status: criteria provided, single submitter. Criteria: ACMG Guidelines, 2015. Collection method: not provided. Allele origin: germline. Inheritance: Autosomal recessive inheritance. Affected: yes.